The following is an entry in ClinVar:

ClinVar aggregate classification (germline): Likely benign (0 of 4 stars; one submission).

Conditions:
HYCC1-related disorder. Also called: HYCC1-related condition.

Allele frequency attached by ClinVar (database versions not stated): gnomAD 0.00001; ExAC 0.00006; TOPMed 0.00011.
gnomAD v4.1: 38 of 1,550,022 alleles (0.0025%); highest among the groups gnomAD compares: South Asian, 0.013%; no homozygotes.

Submission:

PreventionGenetics, part of Exact Sciences
Classification: Likely benign for HYCC1-related condition. Last evaluated: 2019-08-13. Review status: no assertion criteria provided. Collection method: clinical testing. Allele origin: germline.
Comment: This variant is classified as likely benign based on ACMG/AMP sequence variant interpretation guidelines (Richards et al. 2015 PMID: 25741868, with internal and published modifications).

NM_032581.4(HYCC1):c.992-996C>T

Gene: HYCC1 (hyccin PI4KA lipid kinase complex subunit 1; minus strand). Cytogenetic location: 7p15.3.
Variant type: single nucleotide variant.
Coding change: c.992-996C>T on transcript NM_032581.4 (MANE Select); 996 bases into the intron before coding-DNA position 992, C replaced by T.
Molecular consequence: intron variant. On other transcripts: synonymous variant (2).
Genome position (GRCh38, 1-based): chr7:22,947,159, G>A on the plus strand (C>T on the coding strand, the complement: HYCC1 is on the minus strand). VCF-style: chr7-22947159-G-A. GRCh37 (hg19) VCF-style: chr7-22986778-G-A.
Other names: c.1080C>T, p.Thr360= (NM_001363466.2, NM_001363467.2).
Identifiers: ClinVar variation 3035181 (VCV003035181.2), dbSNP rs781042415, ClinGen allele CA4185833.